The following is an entry in ClinVar:

ClinVar aggregate classification (germline): Uncertain significance (1 of 4 stars; one submission).

Conditions:
Rubinstein-Taybi syndrome due to EP300 haploinsufficiency. Also called: EP300-Related Rubinstein-Taybi Syndrome; RUBINSTEIN-TAYBI SYNDROME 2. Identifiers: Orphanet 353284, Orphanet 783, MedGen C3150941, MONDO:0013364, OMIM 613684.

gnomAD v4.1: 5 of 1,614,158 alleles (0.00031%); highest among the groups gnomAD compares: East Asian, 0.011%; no homozygotes.

Submission:

Labcorp Genetics (formerly Invitae), Labcorp
Classification: Uncertain significance for Rubinstein-Taybi syndrome due to EP300 haploinsufficiency. Last evaluated: 2025-05-02. Review status: criteria provided, single submitter. Criteria: Invitae Variant Classification Sherloc (09022015). Collection method: clinical testing. Allele origin: germline.
Comment: This sequence change replaces phenylalanine, which is neutral and non-polar, with leucine, which is neutral and non-polar, at codon 1244 of the EP300 protein (p.Phe1244Leu). This variant is present in population databases (rs778760907, gnomAD 0.02%). This variant has not been reported in the literature in individuals affected with EP300-related conditions. Invitae Evidence Modeling of protein sequence and biophysical properties (such as structural, functional, and spatial information, amino acid conservation, physicochemical variation, residue mobility, and thermodynamic stability) indicates that this missense variant is not expected to disrupt EP300 protein function with a negative predictive value of 80%. In summary, the available evidence is currently insufficient to determine the role of this variant in disease. Therefore, it has been classified as a Variant of Uncertain Significance.

NM_001429.4(EP300):c.3730T>C (p.Phe1244Leu)

Gene: EP300 (EP300 lysine acetyltransferase; plus strand). Cytogenetic location: 22q13.2.
Variant type: single nucleotide variant.
Coding change: c.3730T>C on transcript NM_001429.4 (MANE Select); coding-DNA position 3730, T replaced by C.
Protein change: p.Phe1244Leu; replaces phenylalanine 1244 with leucine.
Molecular consequence: missense variant.
Genome position (GRCh38, 1-based): chr22:41,164,054, T>C. VCF-style: chr22-41164054-T-C. GRCh37 (hg19) VCF-style: chr22-41560058-T-C.
Other names: c.3652T>C, p.Phe1218Leu (NM_001362843.2); short protein forms F1218L, F1244L.
Identifiers: ClinVar variation 4798681 (VCV004798681.1).